The following is an entry in ClinVar:

ClinVar aggregate classification (germline): Uncertain significance. Review status: criteria provided, multiple submitters, no conflicts (2 of 4 stars). 2 submissions from 2 submitters: Uncertain significance (2). Last evaluated 2022-03-29.

Conditions:
Combined immunodeficiency due to partial RAG1 deficiency. Identifiers: Orphanet 231154, MedGen C1835931, MONDO:0012359, OMIM 609889.
Severe combined immunodeficiency, autosomal recessive, T cell-negative, B cell-negative, NK cell-positive. Also called: SCID, T CELL-NEGATIVE, B CELL-NEGATIVE, NK CELL-POSITIVE; SCID, AR, T-cell negative, B-cell negative, NK cell-positive; Severe combined immunodeficiency due to complete RAG1/2 deficiency. Identifiers: Orphanet 331206, MedGen C1832322, MONDO:0011086, OMIM 601457.
Combined immunodeficiency with skin granulomas. Identifiers: Orphanet 157949, MedGen C2673536, MONDO:0009306, OMIM 233650.
Histiocytic medullary reticulosis. Also called: SEVERE COMBINED IMMUNODEFICIENCY WITH HYPEREOSINOPHILIA; Omenn syndrome. Identifiers: Orphanet 39041, MedGen C2700553, MONDO:0011338, OMIM 603554.

Allele frequency attached by ClinVar (database versions not stated): gnomAD exomes below 0.00001; gnomAD 0.00001; TOPMed 0.00003.

Submissions (2):

Labcorp Genetics (formerly Invitae), Labcorp
Classification: Uncertain significance for Combined immunodeficiency with skin granulomas; Severe combined immunodeficiency, autosomal recessive, T cell-negative, B cell-negative, NK cell-positive. Last evaluated: 2022-03-29. Review status: criteria provided, single submitter. Criteria: Invitae Variant Classification Sherloc (09022015). Collection method: clinical testing. Allele origin: germline.
Comment: This sequence change replaces alanine, which is neutral and non-polar, with glycine, which is neutral and non-polar, at codon 69 of the RAG1 protein (p.Ala69Gly). This variant is present in population databases (no rsID available, gnomAD 0.01%). This variant has not been reported in the literature in individuals affected with RAG1-related conditions. Advanced modeling of protein sequence and biophysical properties (such as structural, functional, and spatial information, amino acid conservation, physicochemical variation, residue mobility, and thermodynamic stability) performed at Invitae indicates that this missense variant is not expected to disrupt RAG1 protein function. In summary, the available evidence is currently insufficient to determine the role of this variant in disease. Therefore, it has been classified as a Variant of Uncertain Significance.

New York Genome Center
Classification: Uncertain significance for Combined immunodeficiency due to partial RAG1 deficiency; Combined immunodeficiency with skin granulomas; Histiocytic medullary reticulosis; Severe combined immunodeficiency, autosomal recessive, T cell-negative, B cell-negative, NK cell-positive. Last evaluated: 2021-05-21. Review status: criteria provided, single submitter. Criteria: NYGC Assertion Criteria 2020. Collection method: clinical testing. Allele origin: inherited. Observed: 1 heterozygote. Study: CSER-NYCKidSeq.

NM_000448.3(RAG1):c.206C>G (p.Ala69Gly)

Gene: RAG1 (recombination activating 1; plus strand). Cytogenetic location: 11p12.
Variant type: single nucleotide variant.
Coding change: c.206C>G on transcript NM_000448.3 (MANE Select); coding-DNA position 206, C replaced by G.
Protein change: p.Ala69Gly; replaces alanine 69 with glycine.
Molecular consequence: missense variant.
Genome position (GRCh38, 1-based): chr11:36,573,510, C>G. VCF-style: chr11-36573510-C-G. GRCh37 (hg19) VCF-style: chr11-36595060-C-G.
Other names: c.206C>G, p.Ala69Gly (NM_001377277.1, NM_001377278.1, NM_001377279.1 and 1 more transcripts); short protein forms A69G.
Identifiers: ClinVar variation 1679564 (VCV001679564.5), dbSNP rs887750833, ClinGen allele CA220599913.